The following is an entry in ClinVar:

NM_005883.3(APC2):c.4372G>A (p.Ala1458Thr)

Gene: APC2 (APC regulator of Wnt signaling pathway 2; plus strand). Cytogenetic location: 19p13.3.
Variant type: single nucleotide variant.
Coding change: c.4372G>A on transcript NM_005883.3 (MANE Select); coding-DNA position 4372, G replaced by A.
Protein change: p.Ala1458Thr; replaces alanine 1458 with threonine.
Molecular consequence: missense variant.
Genome position (GRCh38, 1-based): chr19:1,467,673, G>A. VCF-style: chr19-1467673-G-A. GRCh37 (hg19) VCF-style: chr19-1467672-G-A.
Other names: c.4369G>A, p.Ala1457Thr (NM_001351273.1); short protein forms A1458T, A1457T.
Identifiers: ClinVar variation 2065350 (VCV002065350.3), dbSNP rs960403724, ClinGen allele CA304078384.

ClinVar aggregate classification (germline): Uncertain significance (1 of 4 stars; one submission).

Allele frequency attached by ClinVar (database versions not stated): gnomAD 0.00002; TOPMed 0.00002.
gnomAD v4.1: 12 of 1,478,354 alleles (0.00081%); highest among the groups gnomAD compares: East Asian, 0.0027%; no homozygotes.

Submission:

Labcorp Genetics (formerly Invitae), Labcorp
Classification: Uncertain significance. Last evaluated: 2024-10-22. Review status: criteria provided, single submitter. Criteria: Invitae Variant Classification Sherloc (09022015). Collection method: clinical testing. Allele origin: germline.
Comment: This sequence change replaces alanine, which is neutral and non-polar, with threonine, which is neutral and polar, at codon 1458 of the APC2 protein (p.Ala1458Thr). The frequency data for this variant in the population databases is considered unreliable, as metrics indicate poor data quality at this position in the gnomAD database. This variant has not been reported in the literature in individuals affected with APC2-related conditions. ClinVar contains an entry for this variant (Variation ID: 2065350). Invitae Evidence Modeling of protein sequence and biophysical properties (such as structural, functional, and spatial information, amino acid conservation, physicochemical variation, residue mobility, and thermodynamic stability) indicates that this missense variant is not expected to disrupt APC2 protein function with a negative predictive value of 80%. In summary, the available evidence is currently insufficient to determine the role of this variant in disease. Therefore, it has been classified as a Variant of Uncertain Significance.